The following is an entry in ClinVar:

NM_024649.5(BBS1):c.194A>G (p.Gln65Arg)

Gene: BBS1 (Bardet-Biedl syndrome 1; plus strand). Cytogenetic location: 11q13.2.
Variant type: single nucleotide variant.
Coding change: c.194A>G on transcript NM_024649.5 (MANE Select); coding-DNA position 194, A replaced by G.
Protein change: p.Gln65Arg; replaces glutamine 65 with arginine.
Molecular consequence: missense variant.
Genome position (GRCh38, 1-based): chr11:66,514,440, A>G. VCF-style: chr11-66514440-A-G. GRCh37 (hg19) VCF-style: chr11-66281911-A-G.
Other names: short protein forms Q65R.
Identifiers: ClinVar variation 850173 (VCV000850173.4), dbSNP rs1856007588, ClinGen allele CA381455762.

ClinVar aggregate classification (germline): Uncertain significance (1 of 4 stars; one submission).

Conditions:
Bardet-Biedl syndrome (BBS). Identifiers: Orphanet 110, MedGen C0752166, MONDO:0015229.

Submission:

Labcorp Genetics (formerly Invitae), Labcorp
Classification: Uncertain significance for Bardet-Biedl syndrome. Last evaluated: 2022-02-04. Review status: criteria provided, single submitter. Criteria: Invitae Variant Classification Sherloc (09022015). Collection method: clinical testing. Allele origin: germline.
Comment: This sequence change replaces glutamine, which is neutral and polar, with arginine, which is basic and polar, at codon 65 of the BBS1 protein (p.Gln65Arg). This variant is not present in population databases (gnomAD no frequency). This variant has not been reported in the literature in individuals affected with BBS1-related conditions. ClinVar contains an entry for this variant (Variation ID: 850173). Algorithms developed to predict the effect of missense changes on protein structure and function (SIFT, PolyPhen-2, Align-GVGD) all suggest that this variant is likely to be tolerated. In summary, the available evidence is currently insufficient to determine the role of this variant in disease. Therefore, it has been classified as a Variant of Uncertain Significance.